The following is an entry in ClinVar:

NM_001379500.1(COL18A1):c.295C>T (p.Arg99Trp)

Gene: COL18A1 (collagen type XVIII alpha 1 chain; plus strand). Cytogenetic location: 21q22.3.
Variant type: single nucleotide variant.
Coding change: c.295C>T on transcript NM_001379500.1 (MANE Select); coding-DNA position 295, C replaced by T.
Protein change: p.Arg99Trp; replaces arginine 99 with tryptophan.
Molecular consequence: missense variant.
Genome position (GRCh38, 1-based): chr21:45,468,430, C>T. VCF-style: chr21-45468430-C-T. GRCh37 (hg19) VCF-style: chr21-46888344-C-T.
Other names: NM_130445.2:c.295C>T; c.835C>T (NM_030582.3); c.835C>T, p.Arg279Trp (NM_030582.4); c.1540C>T, p.Arg514Trp (NM_130444.3); short protein forms R279W, R514W.
Identifiers: ClinVar variation 447123 (VCV000447123.13), dbSNP rs199918230, ClinGen allele CA10065714.

ClinVar aggregate classification (germline): Likely benign. Review status: criteria provided, multiple submitters, no conflicts (2 of 4 stars). 5 submissions from 5 submitters: Likely benign (4). 1 of the submissions does not count toward it. Last evaluated 2026-01-26.

Conditions:
COL18A1-related disorder. Also called: COL18A1-related condition; COL18A1-related disorders.
Inborn genetic diseases. Identifiers: MedGen C0950123, MeSH D030342.

Allele frequency attached by ClinVar (database versions not stated): 1000 Genomes Project 30x 0.00016; gnomAD exomes 0.00018 and 0.00062; gnomAD 0.00019 and 0.00020; TOPMed 0.00031; ExAC 0.00076.
gnomAD v4.1: 315 of 1,614,056 alleles (0.02%); highest among the groups gnomAD compares: Admixed American, 0.25%; 2 homozygotes.

Submissions (5):

Labcorp Genetics (formerly Invitae), Labcorp
Classification: Likely benign. Last evaluated: 2026-01-26. Review status: criteria provided, single submitter. Criteria: Invitae Variant Classification Sherloc (09022015). Collection method: clinical testing. Allele origin: germline.

Blueprint Genetics
Classification: Likely benign. Last evaluated: 2024-11-19. Review status: criteria provided, single submitter. Criteria: ACMG Guidelines, 2015. Collection method: clinical testing. Allele origin: germline.

Ambry Genetics
Classification: Likely benign for Inborn genetic diseases. Last evaluated: 2022-08-17. Review status: criteria provided, single submitter. Criteria: Ambry Variant Classification Scheme 2023. Collection method: clinical testing. Allele origin: germline.

Athena Diagnostics
Classification: Likely benign. Last evaluated: 2016-10-13. Review status: criteria provided, single submitter. Criteria: Athena Diagnostics Criteria. Collection method: clinical testing. Allele origin: germline.

PreventionGenetics, part of Exact Sciences
Classification: Likely benign for COL18A1-related condition. Last evaluated: 2024-06-11. Review status: no assertion criteria provided. Collection method: clinical testing. Allele origin: germline. Not counted in ClinVar's aggregate classification.
Comment: This variant is classified as likely benign based on ACMG/AMP sequence variant interpretation guidelines (Richards et al. 2015 PMID: 25741868, with internal and published modifications).